The following is an entry in ClinVar:

NM_024589.3(ROGDI):c.118-2A>G

Gene: ROGDI (rogdi atypical leucine zipper; minus strand). Cytogenetic location: 16p13.3.
Variant type: single nucleotide variant.
Coding change: c.118-2A>G on transcript NM_024589.3 (MANE Select); the canonical splice acceptor site of the intron before coding-DNA position 118, A replaced by G.
Molecular consequence: splice acceptor variant.
Genome position (GRCh38, 1-based): chr16:4,801,587, T>C on the plus strand (A>G on the coding strand, the complement: ROGDI is on the minus strand). VCF-style: chr16-4801587-T-C. GRCh37 (hg19) VCF-style: chr16-4851588-T-C.
Identifiers: ClinVar variation 410627 (VCV000410627.9), dbSNP rs1060502981, ClinGen allele CA16615342.

ClinVar aggregate classification (germline): Likely pathogenic (1 of 4 stars; one submission).

Conditions:
Amelocerebrohypohidrotic syndrome (KTZS). Also called: EPILEPSY AND YELLOW TEETH; EPILEPSY, DEMENTIA, AND AMELOGENESIS IMPERFECTA; KOHLSCHUTTER SYNDROME; Kohlschutter's syndrome. Identifiers: Orphanet 1946, MedGen C0406740, MONDO:0009185, OMIM 226750.

Submission:

Labcorp Genetics (formerly Invitae), Labcorp
Classification: Likely pathogenic for Amelocerebrohypohidrotic syndrome. Last evaluated: 2018-09-01. Review status: criteria provided, single submitter. Criteria: Invitae Variant Classification Sherloc (09022015). Collection method: clinical testing. Allele origin: germline.
Comment: This sequence change affects an acceptor splice site in intron 2 of the ROGDI gene. It is expected to disrupt RNA splicing and likely results in an absent or disrupted protein product. This variant has not been reported in the literature in individuals with a ROGDI-related disease. In summary, donor and acceptor splice site variants are typically truncating (PMID: 16199547), and truncating variants in ROGDI are known to be pathogenic (PMID: 22424600). However, without additional functional and/or genetic data, this variant has been classified as Likely Pathogenic.

Literature cited by the submitters: PubMed 16199547; PubMed 22424600.